The following is an entry in ClinVar:

ClinVar aggregate classification (germline): Conflicting classifications of pathogenicity. Review status: criteria provided, conflicting classifications (1 of 4 stars). 15 submissions from 15 submitters: Uncertain significance (1); Benign (1); Likely benign (10). 3 of the submissions do not count toward it. Last evaluated 2026-02-18.

Conditions:
MUTYH-related disorder. Also called: MUTYH-related condition; MUTYH-related disorders.
Hereditary cancer-predisposing syndrome. Also called: Neoplastic Syndromes, Hereditary; Tumor predisposition; Hereditary neoplastic syndrome; Hereditary Cancer Syndrome. Identifiers: Orphanet 140162, MedGen C0027672, MeSH D009386, MONDO:0015356.
Familial adenomatous polyposis 2. Also called: MUTYH Polyposis; ADENOMAS, MULTIPLE COLORECTAL, AUTOSOMAL RECESSIVE; MYH-associated polyposis; FAP type 2; Adenomas, multiple colorectal; MUTYH-related attenuated familial adenomatous polyposis. Identifiers: Orphanet 220460, Orphanet 247798, MedGen C3272841, MONDO:0012041, OMIM 608456.

Allele frequency attached by ClinVar (database versions not stated): ExAC 0.00001; gnomAD exomes 0.00002 and 0.00003; gnomAD 0.00009; TOPMed 0.00009.
gnomAD v4.1: 59 of 1,613,910 alleles (0.0037%); highest among the groups gnomAD compares: Middle Eastern, 0.016%; no homozygotes.

Submissions (15):

PreventionGenetics, part of Exact Sciences
Classification: Likely benign for MUTYH-related condition. Last evaluated: 2026-02-18. Review status: criteria provided, single submitter. Criteria: ACMG Guidelines, 2015. Collection method: clinical testing. Allele origin: germline.
Comment: This variant is classified as likely benign based on ACMG/AMP sequence variant interpretation guidelines (Richards et al. 2015 PMID: 25741868, with internal and published modifications).

Labcorp Genetics (formerly Invitae), Labcorp
Classification: Likely benign for Familial adenomatous polyposis 2. Last evaluated: 2026-01-31. Review status: criteria provided, single submitter. Criteria: Invitae Variant Classification Sherloc (09022015). Collection method: clinical testing. Allele origin: germline.

Molecular Diagnostics Laboratory, Catalan Institute of Oncology
Classification: Likely benign for Hereditary cancer-predisposing syndrome. Last evaluated: 2025-04-14. Review status: criteria provided, single submitter. Criteria: ACMG Guidelines, 2015. Collection method: clinical testing. Allele origin: germline.
Comment: BP4, BP7 c.696C>T, located in exon 9 of the MUTYH gene, is predicted to result in no splicing alteration (according to SpliceAI) and no amino acid change, p.(Thr232=) (BP4, BP7). This variant is found in 10/267714 alleles at a frequency of 0.0037% in the gnomAD v2.1.1 database, non-cancer dataset. To our knowledge, neither relevant clinical data nor well-stablished functional studies have been reported for this variant. It has been reported in ClinVar (2x B, 9x LB, 1x VUS). Based on the currently available information, c.696C>T is classified as a likely benign variant according to ACMG guidelines.

Blueprint Genetics
Classification: Likely benign. Last evaluated: 2024-02-14. Review status: criteria provided, single submitter. Criteria: ACMG Guidelines, 2015. Collection method: clinical testing. Allele origin: germline.

All of Us Research Program, National Institutes of Health
Classification: Likely benign for Familial adenomatous polyposis 2. Last evaluated: 2023-11-30. Review status: criteria provided, single submitter. Criteria: ACMG Guidelines, 2015. Collection method: clinical testing. Allele origin: germline. Inheritance: Autosomal recessive inheritance. Observed: 13 variant alleles, 13 heterozygotes.
Comment: This study involves interpretation of variants in research participants for the purpose of population health screening. Participant phenotype was not available at the time of variant classification. Additional details can be found in publication PMID: 35346344, PMCID: PMC8962531

Women's Health and Genetics/Laboratory Corporation of America, LabCorp
Classification: Likely benign. Last evaluated: 2023-11-02. Review status: criteria provided, single submitter. Criteria: LabCorp Variant Classification Summary - May 2015. Collection method: clinical testing. Allele origin: germline.

Sema4
Classification: Likely benign for Hereditary cancer-predisposing syndrome. Last evaluated: 2021-04-14. Review status: criteria provided, single submitter. Criteria: Sema4 Curation Guidelines. Collection method: curation. Allele origin: germline.

ARUP Laboratories, Molecular Genetics and Genomics, ARUP Laboratories
Classification: Likely benign. Last evaluated: 2017-10-01. Review status: criteria provided, single submitter. Criteria: ARUP Molecular Germline Variant Investigation Process. Collection method: clinical testing. Allele origin: germline.

Color Diagnostics, LLC DBA Color Health
Classification: Likely benign for Hereditary cancer-predisposing syndrome. Last evaluated: 2016-11-29. Review status: criteria provided, single submitter. Criteria: ACMG Guidelines, 2015. Collection method: clinical testing. Allele origin: germline.

Quest Diagnostics Nichols Institute San Juan Capistrano
Classification: Uncertain significance. Last evaluated: 2016-09-21. Review status: criteria provided, single submitter. Criteria: Quest Diagnostics criteria. Collection method: clinical testing. Allele origin: germline.

Ambry Genetics
Classification: Likely benign for Hereditary cancer-predisposing syndrome. Last evaluated: 2015-09-03. Review status: criteria provided, single submitter. Criteria: Ambry Variant Classification Scheme 2023. Collection method: clinical testing. Allele origin: germline.

GeneDx
Classification: Benign. Last evaluated: 2015-05-13. Review status: criteria provided, single submitter. Criteria: GeneDx Variant Classification (06012015). Collection method: clinical testing. Allele origin: germline. Affected: yes.
Comment: This variant is considered likely benign or benign based on one or more of the following criteria: it is a conservative change, it occurs at a poorly conserved position in the protein, it is predicted to be benign by multiple in silico algorithms, and/or has population frequency not consistent with disease.

Counsyl
Classification: Likely benign for Familial adenomatous polyposis 2. Last evaluated: 2016-05-20. Review status: no assertion criteria provided. Collection method: clinical testing. Allele origin: unknown. Not counted in ClinVar's aggregate classification.

Clinical Genetics Laboratory, Department of Pathology, Netherlands Cancer Institute
Classification: Likely benign. Review status: no assertion criteria provided. Collection method: clinical testing. Allele origin: germline. Affected: yes. Study: VKGL Data-share Consensus. Not counted in ClinVar's aggregate classification.

Joint Genome Diagnostic Labs from Nijmegen and Maastricht, Radboudumc and MUMC+
Classification: Likely benign. Review status: no assertion criteria provided. Collection method: clinical testing. Allele origin: germline. Affected: yes. Study: VKGL Data-share Consensus. Not counted in ClinVar's aggregate classification.

NM_001048174.2(MUTYH):c.612C>T (p.Thr204=)

Gene: MUTYH (mutY DNA glycosylase; minus strand). Cytogenetic location: 1p34.1.
Variant type: single nucleotide variant.
Coding change: c.612C>T on transcript NM_001048174.2 (MANE Select); coding-DNA position 612, C replaced by T.
Protein change: p.Thr204=; no amino-acid change (threonine 204 retained).
Molecular consequence: synonymous variant. On other transcripts: non-coding transcript variant (2).
Genome position (GRCh38, 1-based): chr1:45,332,483, G>A on the plus strand (C>T on the coding strand, the complement: MUTYH is on the minus strand). VCF-style: chr1-45332483-G-A. GRCh37 (hg19) VCF-style: chr1-45798155-G-A.
Other names: c.612C>T, p.Thr204= (NM_001048171.2, NM_001048173.2, NM_001293195.2); c.615C>T, p.Thr205= (NM_001048172.2); c.696C>T, p.Thr232= (NM_001128425.2); c.657C>T, p.Thr219= (NM_001293190.2); c.645C>T, p.Thr215= (NM_001293191.2); c.336C>T, p.Thr112= (NM_001293192.2, NM_001293196.2); c.267C>T, p.Thr89= (NM_001350650.2, NM_001350651.2); c.687C>T, p.Thr229= (NM_012222.3).
Identifiers: ClinVar variation 184547 (VCV000184547.36), dbSNP rs780747266, ClinGen allele CA014134.